The following is an entry in ClinVar:

ClinVar aggregate classification (germline): Uncertain significance (1 of 4 stars; one submission).

Allele frequency attached by ClinVar (database versions not stated): TOPMed 0.00003; gnomAD exomes 0.00004 and 0.00008.
gnomAD v4.1: 24 of 1,613,768 alleles (0.0015%); highest among the groups gnomAD compares: Admixed American, 0.04%; no homozygotes.

Submission:

Labcorp Genetics (formerly Invitae), Labcorp
Classification: Uncertain significance. Last evaluated: 2025-11-19. Review status: criteria provided, single submitter. Criteria: Invitae Variant Classification Sherloc (09022015). Collection method: clinical testing. Allele origin: germline.
Comment: This sequence change replaces serine, which is neutral and polar, with glycine, which is neutral and non-polar, at codon 327 of the PITPNM3 protein (p.Ser327Gly). This variant is present in population databases (rs760011572, gnomAD 0.06%), and has an allele count higher than expected for a pathogenic variant. This variant has not been reported in the literature in individuals affected with PITPNM3-related conditions. ClinVar contains an entry for this variant (Variation ID: 1477707). Invitae Evidence Modeling of protein sequence and biophysical properties (such as structural, functional, and spatial information, amino acid conservation, physicochemical variation, residue mobility, and thermodynamic stability) indicates that this missense variant is not expected to disrupt PITPNM3 protein function with a negative predictive value of 80%. In summary, the available evidence is currently insufficient to determine the role of this variant in disease. Therefore, it has been classified as a Variant of Uncertain Significance.

NM_031220.4(PITPNM3):c.979A>G (p.Ser327Gly)

Gene: PITPNM3 (PITPNM family member 3; minus strand). Cytogenetic location: 17p13.2.
Variant type: single nucleotide variant.
Coding change: c.979A>G on transcript NM_031220.4 (MANE Select); coding-DNA position 979, A replaced by G.
Protein change: p.Ser327Gly; replaces serine 327 with glycine.
Molecular consequence: missense variant.
Genome position (GRCh38, 1-based): chr17:6,477,135, T>C on the plus strand (A>G on the coding strand, the complement: PITPNM3 is on the minus strand). VCF-style: chr17-6477135-T-C. GRCh37 (hg19) VCF-style: chr17-6380455-T-C.
Other names: c.871A>G, p.Ser291Gly (NM_001165966.2); short protein forms S291G, S327G.
Identifiers: ClinVar variation 1477707 (VCV001477707.6), dbSNP rs760011572, ClinGen allele CA8329654.
Genomic context (GRCh38, chr17:6,477,135, plus strand): 5'-TGGAGGAGTCGCTCTGTTTCCGCGGCAACGGCCTCTTGGGCTCCTCATCCTCCAACCCAC[T>C]GGAGATGTCAATGTTGCTTTTGCTGAGACGCTTGCTGCTGGCCAGGCTGCAATCTTCCTC-3'
Protein context (NP_112497.2, residues 317-337): RLSKSNIDIS[Ser327Gly]GLEDEEPKRP